The following is an entry in ClinVar:

NM_022124.6(CDH23):c.2263C>T (p.His755Tyr)

Gene: CDH23 (cadherin related 23; plus strand). Cytogenetic location: 10q22.1.
Variant type: single nucleotide variant.
Coding change: c.2263C>T on transcript NM_022124.6 (MANE Select); coding-DNA position 2263, C replaced by T.
Protein change: p.His755Tyr; replaces histidine 755 with tyrosine.
Molecular consequence: missense variant.
Genome position (GRCh38, 1-based): chr10:71,694,233, C>T. VCF-style: chr10-71694233-C-T. GRCh37 (hg19) VCF-style: chr10-73453990-C-T.
Other names: c.2263C>T, p.His755Tyr (NM_001171930.2, NM_001171931.2); short protein forms H755Y.
Identifiers: ClinVar variation 45891 (VCV000045891.80), dbSNP rs181255269, ClinGen allele CA137317.
Genomic context (GRCh38, chr10:71,694,233, plus strand): 5'-GACCGAGAGACCAAGTCTGAATACATCCTCATCGTTCGCGCAGTGGACGGGGGTGTGGGC[C>T]ACAACCAGAAAACTGGCATCGCCACCGTGAGTGCGCTCCCCTCCCGTGCCCCAGCTCCCC-3'
Protein context (NP_071407.4, residues 745-765): IVRAVDGGVG[His755Tyr]NQKTGIATVN

ClinVar aggregate classification (germline): Benign. Review status: reviewed by expert panel (3 of 4 stars). 23 submissions from 22 submitters: Benign (1). 22 of the submissions do not count toward it. Last evaluated 2024-12-18.

Conditions:
Non-Syndromic Hereditary Hearing Impairment.
CDH23-related disorder. Also called: CDH23-related disorders; CDH23-related condition.
Pituitary adenoma 5, multiple types. Identifiers: MedGen C4539685, MONDO:0054601, OMIM 617540.
Usher syndrome type 1D (USH1D). Also called: USHER SYNDROME, TYPE ID. Identifiers: Orphanet 231169, Orphanet 886, MedGen C1832845, MONDO:0010984, OMIM 601067.
Autosomal recessive nonsyndromic hearing loss 12. Also called: DEAFNESS, AUTOSOMAL RECESSIVE 12. Identifiers: Orphanet 90636, MedGen C1832394, MONDO:0011067, OMIM 601386.
Nonsyndromic genetic hearing loss. Also called: Nonsyndromic hearing loss and deafness; Non-syndromic genetic deafness; Nonsyndromic genetic deafness. Identifiers: Orphanet 87884, MedGen C5680182, MONDO:0019497.
Retinitis pigmentosa (RP). Identifiers: Orphanet 791, MedGen C0035334, MeSH D012174, MONDO:0019200, OMIM 268000. Inheritance: Autosomal dominant, autosomal recessive and X linked inheritance.
Usher syndrome type 1 (USH1). Also called: RETINITIS PIGMENTOSA AND CONGENITAL DEAFNESS. Identifiers: Orphanet 231169, Orphanet 886, MedGen C1568247, MONDO:0010168, OMIM 276900.
Retinitis pigmentosa-deafness syndrome. Also called: Dystrophia retinae pigmentosa-dysostosis syndrome; Graefe-Usher syndrome; Hallgren syndrome; RETINITIS PIGMENTOSA 21; RETINITIS PIGMENTOSA 8; Retinitis pigmentosa 8, formerly. Identifiers: MedGen C5779620, MONDO:0010775, OMIM 500004.

Allele frequency attached by ClinVar (database versions not stated): 1000 Genomes Project 0.00140; gnomAD exomes 0.00142 and 0.00218; ExAC 0.00232; 1000 Genomes Project 30x 0.00156; gnomAD 0.00078 and 0.00109; ESP Exome Variant Server 0.00087; TOPMed 0.00091.
gnomAD v4.1: 2,284 of 1,613,056 alleles (0.14%); highest among the groups gnomAD compares: Middle Eastern, 1.1%; 14 homozygotes.

Submissions (23):

ClinGen Hearing Loss Variant Curation Expert Panel
Classification: Benign for Nonsyndromic genetic hearing loss. Last evaluated: 2024-12-18. Review status: reviewed by expert panel. Criteria: Clingen Hl Acmg Specifications Cdh23 Coch Gjb2 Kcnq4 Myo6 Myo7a Slc26a4 Tecta Ush2a V2. Collection method: curation. Allele origin: germline. Inheritance: Autosomal recessive inheritance.
Comment: The variant NM_022124.6:c.2263C>T in CDH23 is a missense variant predicted to cause substitution of histidine by tyrosine at amino acid 755 (p.His755Tyr). The highest population minor allele frequency in gnomAD v4.1.0 is 0.008578 (781/91042 alleles, 11 homozygotes) for the South Asian population, which is higher than the ClinGen Hearing Loss CDH23 threshold (≥0.005) for BA1, and therefore meets this criterion (BA1). The REVEL computational prediction analysis tool produced a score of 0.211, which meets no codes. This variant was reported in 2 individuals with Usher syndrome and one with Retinitis Pigmentosa, though without any evidence of pathogenicity (PM3 not met; PMIDs: 18429043, 21569298, 30718709). In summary, this variant meets criteria to be classified as benign based on the ACMG/AMP criteria applied, as specified by the Hearing Loss Expert Panel: BA1. (ClinGen Hearing Loss VCEP specifications version 2; 12/18/2024).

CeGaT Center for Human Genetics Tuebingen
Classification: Likely benign. Last evaluated: 2026-07-01. Review status: criteria provided, single submitter. Criteria: CeGaT Center For Human Genetics Tuebingen Variant Classification Criteria Version 2. Collection method: clinical testing. Allele origin: germline. Affected: yes. Observed: 18 variant alleles. Not counted in ClinVar's aggregate classification.
Comment: CDH23: BS1

Labcorp Genetics (formerly Invitae), Labcorp
Classification: Likely benign. Last evaluated: 2026-02-01. Review status: criteria provided, single submitter. Criteria: Invitae Variant Classification Sherloc (09022015). Collection method: clinical testing. Allele origin: germline. Not counted in ClinVar's aggregate classification.

PreventionGenetics, part of Exact Sciences
Classification: Likely benign for CDH23-related condition. Last evaluated: 2025-09-02. Review status: criteria provided, single submitter. Criteria: ACMG Guidelines, 2015. Collection method: clinical testing. Allele origin: germline. Not counted in ClinVar's aggregate classification.
Comment: This variant is classified as likely benign based on ACMG/AMP sequence variant interpretation guidelines (Richards et al. 2015 PMID: 25741868, with internal and published modifications).

Blueprint Genetics
Classification: Likely benign. Last evaluated: 2024-11-21. Review status: criteria provided, single submitter. Criteria: ACMG Guidelines, 2015. Collection method: clinical testing. Allele origin: germline. Not counted in ClinVar's aggregate classification.

Mendelics
Classification: Benign for Retinitis pigmentosa-deafness syndrome. Last evaluated: 2023-08-22. Review status: criteria provided, single submitter. Criteria: Mendelics Assertion Criteria 2019. Collection method: clinical testing. Allele origin: germline. Not counted in ClinVar's aggregate classification.

Women's Health and Genetics/Laboratory Corporation of America, LabCorp
Classification: Benign. Last evaluated: 2023-02-15. Review status: criteria provided, single submitter. Criteria: LabCorp Variant Classification Summary - May 2015. Collection method: clinical testing. Allele origin: germline. Not counted in ClinVar's aggregate classification.
Comment: Variant summary: CDH23 c.2263C>T (p.His755Tyr) results in a conservative amino acid change in the encoded protein sequence. Two of four in-silico tools predict a benign effect of the variant on protein function. The variant allele was found at a frequency of 0.0022 in 248490 control chromosomes, predominantly at a frequency of 0.0081 within the South Asian subpopulation in the gnomAD database, including 1 homozygotes. The observed variant frequency within South Asian control individuals in the gnomAD database is approximately 2.5 fold of the estimated maximal expected allele frequency for a pathogenic variant in CDH23 causing Usher Syndrome phenotype (0.0032), strongly suggesting that the variant is a benign polymorphism found primarily in populations of South Asian origin. To our knowledge, no occurrence of c.2263C>T in individuals affected with Usher Syndrome and no experimental evidence demonstrating its impact on protein function have been reported. Thirteen clinical diagnostic laboratories have submitted clinical-significance assessments for this variant to ClinVar after 2014 without evidence for independent evaluation. Eight laboratories reported the variant with benign/likely benign. Based on the evidence outlined above, the variant was classified as benign.

ARUP Laboratories, Molecular Genetics and Genomics, ARUP Laboratories
Classification: Benign. Last evaluated: 2022-05-05. Review status: criteria provided, single submitter. Criteria: ARUP Molecular Germline Variant Investigation Process 2021. Collection method: clinical testing. Allele origin: germline. Not counted in ClinVar's aggregate classification.

Fulgent Genetics
Classification: Likely benign for Usher syndrome type 1D; Autosomal recessive nonsyndromic hearing loss 12; Pituitary adenoma 5, multiple types. Last evaluated: 2022-04-13. Review status: criteria provided, single submitter. Criteria: ACMG Guidelines, 2015. Collection method: clinical testing. Allele origin: unknown. Not counted in ClinVar's aggregate classification.

Genome-Nilou Lab
Classification: Benign for Autosomal recessive nonsyndromic hearing loss 12. Last evaluated: 2021-07-01. Review status: criteria provided, single submitter. Criteria: ACMG Guidelines, 2015. Collection method: clinical testing. Allele origin: germline. Affected: no. Not counted in ClinVar's aggregate classification.

Genome-Nilou Lab
Classification: Benign for Usher syndrome type 1D. Last evaluated: 2021-05-18. Review status: criteria provided, single submitter. Criteria: ACMG Guidelines, 2015. Collection method: clinical testing. Allele origin: germline. Affected: no. Not counted in ClinVar's aggregate classification.

GeneDx
Classification: Benign. Last evaluated: 2019-12-06. Review status: criteria provided, single submitter. Criteria: GeneDx Variant Classification Process June 2021. Collection method: clinical testing. Allele origin: germline. Affected: yes. Not counted in ClinVar's aggregate classification.
Comment: This variant is associated with the following publications: (PMID: 30245029, 30718709, 21228398, 18429043, 22135276, 25474345, 22995991, 21569298)

Baylor Genetics
Classification: Uncertain significance for Autosomal recessive nonsyndromic hearing loss 12. Last evaluated: 2019-09-11. Review status: criteria provided, single submitter. Criteria: ACMG Guidelines, 2015. Collection method: clinical testing. Allele origin: unknown. Affected: yes. Not counted in ClinVar's aggregate classification.
Comment: This variant was determined to be of uncertain significance according to ACMG Guidelines, 2015 [PMID:25741868].

Eurofins Ntd Llc (ga)
Classification: Likely benign. Last evaluated: 2016-08-30. Review status: criteria provided, single submitter. Criteria: EGL Classification Definitions 2015. Collection method: clinical testing. Allele origin: germline. Observed: 2 variant alleles, 2 heterozygotes. Not counted in ClinVar's aggregate classification.

Laboratory for Molecular Medicine, Mass General Brigham Personalized Medicine
Classification: Benign. Last evaluated: 2015-12-17. Review status: criteria provided, single submitter. Criteria: LMM Criteria. Collection method: clinical testing. Allele origin: germline. Observed: 8 variant alleles. Not counted in ClinVar's aggregate classification.
Comment: p.His755Tyr in exon 21 of CDH23: This variant is not expected to have clinical s ignificance because it has been identified in 0.85% (136/16100) of South Asian c hromosomes by the Exome Aggregation Consortium (ExAC .org; dbSNP rs181255269).

Breakthrough Genomics
Classification: Benign. Review status: criteria provided, single submitter. Criteria: ACMG Guidelines, 2015. Collection method: not provided. Allele origin: germline. Inheritance: Autosomal recessive inheritance. Affected: yes. Not counted in ClinVar's aggregate classification.

Natera, Inc.
Classification: Uncertain significance for Usher syndrome type 1. Last evaluated: 2020-04-15. Review status: no assertion criteria provided. Collection method: clinical testing. Allele origin: germline. Not counted in ClinVar's aggregate classification.

Department of Clinical Genetics, Copenhagen University Hospital, Rigshospitalet
Classification: Likely pathogenic for Retinitis pigmentosa. Last evaluated: 2018-04-01. Review status: no assertion criteria provided. Collection method: research. Allele origin: unknown. Affected: yes. Study: VeluxRD. Not counted in ClinVar's aggregate classification.

Clinical Genetics DNA and cytogenetics Diagnostics Lab, Erasmus MC, Erasmus Medical Center
Classification: Likely benign. Review status: no assertion criteria provided. Collection method: clinical testing. Allele origin: germline. Affected: yes. Study: VKGL Data-share Consensus. Not counted in ClinVar's aggregate classification.

Clinical Genetics, Academic Medical Center
Classification: Likely benign. Review status: no assertion criteria provided. Collection method: clinical testing. Allele origin: germline. Affected: yes. Study: VKGL Data-share Consensus. Not counted in ClinVar's aggregate classification.

Joint Genome Diagnostic Labs from Nijmegen and Maastricht, Radboudumc and MUMC+
Classification: Likely benign. Review status: no assertion criteria provided. Collection method: clinical testing. Allele origin: germline. Affected: yes. Study: VKGL Data-share Consensus. Not counted in ClinVar's aggregate classification.

Laboratory of Diagnostic Genome Analysis, Leiden University Medical Center (LUMC)
Classification: Likely benign. Review status: no assertion criteria provided. Collection method: clinical testing. Allele origin: germline. Affected: yes. Study: VKGL Data-share Consensus. Not counted in ClinVar's aggregate classification.

University of Washington Center for Mendelian Genomics, University of Washington
Classification: Likely benign for Non-Syndromic Hereditary Hearing Impairment. Review status: no assertion criteria provided. Collection method: research. Allele origin: inherited. Affected: yes. Not counted in ClinVar's aggregate classification.

Literature cited by the submitters: PubMed 18429043 (cited by Eurofins Ntd Llc (ga) and Laboratory for Molecular Medicine, Mass General Brigham Personalized Medicine); PubMed 21569298 (cited by Laboratory for Molecular Medicine, Mass General Brigham Personalized Medicine); PubMed 22135276 (cited by Laboratory for Molecular Medicine, Mass General Brigham Personalized Medicine); PubMed 21228398 (cited by Laboratory for Molecular Medicine, Mass General Brigham Personalized Medicine); PubMed 22995991 (cited by Laboratory for Molecular Medicine, Mass General Brigham Personalized Medicine); PubMed 25474345 (cited by Laboratory for Molecular Medicine, Mass General Brigham Personalized Medicine); PubMed 30718709 (cited by Department of Clinical Genetics, Copenhagen University Hospital, Rigshospitalet); PubMed 30029624 (cited by University of Washington Center for Mendelian Genomics, University of Washington).